The following is an entry in ClinVar:

NM_170606.3(KMT2C):c.4666T>G (p.Phe1556Val)

Gene: KMT2C (lysine methyltransferase 2C; minus strand). Cytogenetic location: 7q36.1.
Variant type: single nucleotide variant.
Coding change: c.4666T>G on transcript NM_170606.3 (MANE Select); coding-DNA position 4666, T replaced by G.
Protein change: p.Phe1556Val; replaces phenylalanine 1556 with valine.
Molecular consequence: missense variant.
Genome position (GRCh38, 1-based): chr7:152,187,842, A>C on the plus strand (T>G on the coding strand, the complement: KMT2C is on the minus strand). VCF-style: chr7-152187842-A-C. GRCh37 (hg19) VCF-style: chr7-151884927-A-C.
Other names: short protein forms F1556V.
Identifiers: ClinVar variation 2577782 (VCV002577782.1), dbSNP rs2487828401, ClinGen allele CA370103513.
Genomic context (GRCh38, chr7:152,187,842, plus strand): 5'-AATTATGTGGGAGATGAGGACTGGATCCAATAAGGCCATTCATGAGAGGCATCCGTGAAA[A>C]AGCATCTTCAGAGAAAAAAATAATTCCGTTGGCATGATATTCACAAGTAACAAGGAGTTG-3'
Protein context (NP_733751.2, residues 1546-1566): QLLPIHNQDA[Phe1556Val]SRMPLMNGLI

ClinVar aggregate classification (germline): Uncertain significance (1 of 4 stars; one submission).

Submission:

GeneDx
Classification: Uncertain significance. Last evaluated: 2023-02-24. Review status: criteria provided, single submitter. Criteria: GeneDx Variant Classification Process June 2021. Collection method: clinical testing. Allele origin: germline. Affected: yes.
Comment: Not observed at significant frequency in large population cohorts (gnomAD); In silico analysis supports that this missense variant has a deleterious effect on protein structure/function; Has not been previously published as pathogenic or benign to our knowledge